The following is an entry in ClinVar:

NM_032776.3(JMJD1C):c.5989G>A (p.Asp1997Asn)

Gene: JMJD1C (jumonji domain containing 1C; minus strand). Cytogenetic location: 10q21.3.
Variant type: single nucleotide variant.
Coding change: c.5989G>A on transcript NM_032776.3 (MANE Select); coding-DNA position 5989, G replaced by A.
Protein change: p.Asp1997Asn; replaces aspartic acid 1997 with asparagine.
Molecular consequence: missense variant. On other transcripts: non-coding transcript variant (1).
Genome position (GRCh38, 1-based): chr10:63,193,025, C>T on the plus strand (G>A on the coding strand, the complement: JMJD1C is on the minus strand). VCF-style: chr10-63193025-C-T. GRCh37 (hg19) VCF-style: chr10-64952785-C-T.
Other names: c.5443G>A, p.Asp1815Asn (NM_001282948.2, NM_001318154.2); c.5125G>A, p.Asp1709Asn (NM_001318153.2); c.5875G>A, p.Asp1959Asn (NM_001322252.2); c.5332G>A, p.Asp1778Asn (NM_001322254.2, NM_001322258.2); short protein forms D1815N, D1778N, D1959N, D1709N, D1997N.
Identifiers: ClinVar variation 3666726 (VCV003666726.2).

ClinVar aggregate classification (germline): Uncertain significance (1 of 4 stars; one submission).

Conditions:
Early Myoclonic Encephalopathy. Identifiers: MedGen C0270855.

Submission:

Labcorp Genetics (formerly Invitae), Labcorp
Classification: Uncertain significance for Early Myoclonic Encephalopathy. Last evaluated: 2024-12-10. Review status: criteria provided, single submitter. Criteria: Invitae Variant Classification Sherloc (09022015). Collection method: clinical testing. Allele origin: germline.
Comment: This sequence change replaces aspartic acid, which is acidic and polar, with asparagine, which is neutral and polar, at codon 1997 of the JMJD1C protein (p.Asp1997Asn). This variant is not present in population databases (gnomAD no frequency). This variant has not been reported in the literature in individuals affected with JMJD1C-related conditions. Invitae Evidence Modeling of protein sequence and biophysical properties (such as structural, functional, and spatial information, amino acid conservation, physicochemical variation, residue mobility, and thermodynamic stability) indicates that this missense variant is not expected to disrupt JMJD1C protein function with a negative predictive value of 80%. In summary, the available evidence is currently insufficient to determine the role of this variant in disease. Therefore, it has been classified as a Variant of Uncertain Significance.